The following is an entry in ClinVar:

NM_032043.3(BRIP1):c.2469G>T (p.Arg823Ser)

Gene: BRIP1 (BRCA1 interacting DNA helicase 1; minus strand). Cytogenetic location: 17q23.2.
Variant type: single nucleotide variant.
Coding change: c.2469G>T on transcript NM_032043.3 (MANE Select); coding-DNA position 2469, G replaced by T.
Protein change: p.Arg823Ser; replaces arginine 823 with serine.
Molecular consequence: missense variant.
Genome position (GRCh38, 1-based): chr17:61,715,974, C>A on the plus strand (G>T on the coding strand, the complement: BRIP1 is on the minus strand). VCF-style: chr17-61715974-C-A. GRCh37 (hg19) VCF-style: chr17-59793335-C-A.
Other names: p.R823S:AGG>AGT; short protein forms R823S.
Identifiers: ClinVar variation 128173 (VCV000128173.41), dbSNP rs587780239, ClinGen allele CA288556.

ClinVar aggregate classification (germline): Uncertain significance. Review status: criteria provided, multiple submitters, no conflicts (2 of 4 stars). 16 submissions from 16 submitters: Uncertain significance (13). 3 of the submissions do not count toward it. Last evaluated 2026-08-04.

Conditions:
Fanconi anemia complementation group J. Also called: BRIP1-Related Fanconi Anemia. Identifiers: Orphanet 84, MedGen C1836860, MONDO:0012187, OMIM 609054.
Ovarian cancer. Also called: OVARIAN CANCER, SOMATIC. Identifiers: Orphanet 213500, MedGen C1140680, MONDO:0008170, OMIM 167000.
BRIP1-related disorder. Also called: BRIP1-related condition; BRIP1-related disorders. Identifiers: MedGen CN239206.
Hereditary cancer-predisposing syndrome. Also called: Neoplastic Syndromes, Hereditary; Tumor predisposition; Hereditary Cancer Syndrome; Hereditary neoplastic syndrome. Identifiers: Orphanet 140162, MedGen C0027672, MeSH D009386, MONDO:0015356.
Familial cancer of breast. Also called: hereditary breast carcinoma; Hereditary breast cancer; BREAST CANCER, FAMILIAL. Identifiers: Orphanet 227535, MedGen C0346153, MONDO:0016419, OMIM 114480. Disease mechanism: loss of function.
Malignant tumor of breast. Also called: Cancer breast; Malignant breast neoplasm. Identifiers: MedGen C0006142, MONDO:0007254. Disease mechanism: loss of function.

Allele frequency attached by ClinVar (database versions not stated): ExAC 0.00003; gnomAD 0.00003; TOPMed 0.00004; gnomAD exomes 0.00005.
gnomAD v4.1: 53 of 1,605,648 alleles (0.0033%); highest among the groups gnomAD compares: Non-Finnish European, 0.001%; no homozygotes.

Submissions 1 to 11 of 16:

PreventionGenetics, part of Exact Sciences
Classification: Uncertain significance for BRIP1-related condition. Last evaluated: 2026-08-04. Review status: criteria provided, single submitter. Criteria: ACMG Guidelines, 2015. Collection method: clinical testing. Allele origin: germline.
Comment: The BRIP1 c.2469G>T variant is predicted to result in the amino acid substitution p.Arg823Ser. This variant was reported as a variant of uncertain significance in an individual with pancreatic cancer and a family history of additional cancers (Shindo et al 2017. PubMed ID: 28767289) and in individuals with breast cancer (See Supp. Table 2 in Seal S et al 2006. PubMed ID: 17033622; Lerner-Ellis et al. 2020. PubMed ID: 32885271). This variant is reported in 0.099% of alleles in individuals of Ashkenazi Jewish descent in gnomAD and is interpreted as uncertain in ClinVar (Variation ID: 128173). At this time, the clinical significance of this variant is uncertain due to the absence of conclusive functional and genetic evidence.

Labcorp Genetics (formerly Invitae), Labcorp
Classification: Uncertain significance for Familial cancer of breast; Fanconi anemia complementation group J. Last evaluated: 2026-02-02. Review status: criteria provided, single submitter. Criteria: Invitae Variant Classification Sherloc (09022015). Collection method: clinical testing. Allele origin: germline.
Comment: This sequence change replaces arginine, which is basic and polar, with serine, which is neutral and polar, at codon 823 of the BRIP1 protein (p.Arg823Ser). This variant is present in population databases (rs587780239, gnomAD 0.1%). This missense change has been observed in individual(s) with breast cancer or pancreatic cancer (PMID: 17033622, 28767289, 32885271, 39400928). ClinVar contains an entry for this variant (Variation ID: 128173). Invitae Evidence Modeling of protein sequence and biophysical properties (such as structural, functional, and spatial information, amino acid conservation, physicochemical variation, residue mobility, and thermodynamic stability) has been performed for this missense variant. However, the output from this modeling did not meet the statistical confidence thresholds required to predict the impact of this variant on BRIP1 protein function. In summary, the available evidence is currently insufficient to determine the role of this variant in disease. Therefore, it has been classified as a Variant of Uncertain Significance.

Dasa
Classification: Uncertain significance. Last evaluated: 2025-04-30. Review status: criteria provided, single submitter. Criteria: DASA Assertion Criteria. Collection method: clinical testing. Allele origin: germline.
Comment: NM_032043.3(BRIP1):c.2469G>T (p.Arg823Ser) is a missense variant that results in the substitution of arginine with serine. This variant is rare in population databases. Computational prediction algorithms are consistent with a deleterious effect. The currently available literature and clinical evidence are not sufficient to establish a definitive association between this variant and the reported condition. Therefore, this variant is classified as a variant of uncertain significance.

Quest Diagnostics Nichols Institute San Juan Capistrano
Classification: Uncertain significance. Last evaluated: 2025-02-25. Review status: criteria provided, single submitter. Criteria: Quest Diagnostics criteria. Collection method: clinical testing. Allele origin: unknown.
Comment: The BRIP1 c.2469G>T (p.Arg823Ser) variant has been reported in the published literature in individuals affected with breast cancer (PMID: 17033622 (2006), 32885271 (2021), 33471991 (2021), see also LOVD), 35884425 (2022), 39400928 (2024)), ovarian cancer (Collet, A, et al. (2015) AIMS Genet 2(4): 263-280.), and pancreatic cancer (PMID: 28767289 (2017), 32659497 (2020)). This variant has also been observed in reportedly healthy individuals (PMID: 33471991 (2021), see also LOVD). The frequency of this variant in the general population (Genome Aggregation Database) is higher than would generally be expected for pathogenic variants in this gene. Analysis of this variant using bioinformatics tools for the prediction of the effect of amino acid changes on protein structure and function yielded predictions that this variant is damaging. Based on the available information, we are unable to determine the clinical significance of this variant.

Color Diagnostics, LLC DBA Color Health
Classification: Uncertain significance for Hereditary cancer-predisposing syndrome. Last evaluated: 2025-02-10. Review status: criteria provided, single submitter. Criteria: ACMG Guidelines, 2015. Collection method: clinical testing. Allele origin: germline.
Comment: This missense variant replaces arginine with serine at codon 823 of the BRIP1 protein. Computational prediction suggests that this variant may have deleterious impact on protein structure and function. To our knowledge, functional studies have not been reported for this variant. This variant has been reported in individuals affected with breast cancer (PMID: 17033622, 32885271, 33471991, 39400928), pancreatic cancer (PMID: 28767289, 32659497) and ovarian cancer (Collet 2015, DOI: 10.3934/genet.2015.4.263), but also in unaffected individuals (PMID: 29368626, 33471991). This variant has been identified in 12/249930 chromosomes (10/10054 Ashkenazi Jewish chromosomes) in the general population by the Genome Aggregation Database (gnomAD). The available evidence is insufficient to determine the role of this variant in disease conclusively. Therefore, this variant is classified as a Variant of Uncertain Significance.

GeneDx
Classification: Uncertain significance. Last evaluated: 2025-01-13. Review status: criteria provided, single submitter. Criteria: GeneDx Variant Classification Process June 2021. Collection method: clinical testing. Allele origin: germline. Affected: yes.
Comment: In silico analysis supports that this missense variant has a deleterious effect on protein structure/function; Observed in individuals with a personal or family history of pancreatic or breast cancer (PMID: 28767289, 32659497, 32885271); This variant is associated with the following publications: (PMID: 17033622, 28767289, 29368626, 32659497, 11301010, 32885271, 38136308)

Ambry Genetics
Classification: Uncertain significance for Hereditary cancer-predisposing syndrome. Last evaluated: 2024-08-12. Review status: criteria provided, single submitter. Criteria: Ambry Variant Classification Scheme 2023. Collection method: clinical testing. Allele origin: germline.
Comment: The p.R823S variant (also known as c.2469G>T), located in coding exon 16 of the BRIP1 gene, results from a G to T substitution at nucleotide position 2469. The arginine at codon 823 is replaced by serine, an amino acid with dissimilar properties. This variant was reported in 1/1212 breast cancer patients with a family history of breast or ovarian cancer, but was not seen in 2081 controls (Seal S et al. Nat. Genet. 2006 Nov;38:1239-41). It was also reported in 1/1142 pancreatic cancer patients (Shindo K et al. J. Clin. Oncol. 2017 Oct;35:3382-3390). This variant was also observed in 2/3251 individuals who met eligibility criteria for hereditary breast and ovarian cancer syndrome (Lerner-Ellis J et al. J Cancer Res Clin Oncol, 2021 Mar;147:871-879). This amino acid position is highly conserved in available vertebrate species. In addition, this alteration is predicted to be deleterious by in silico analysis. Since supporting evidence is limited at this time, the clinical significance of this alteration remains unclear.

Baylor Genetics
Classification: Uncertain significance for Familial cancer of breast. Last evaluated: 2024-03-04. Review status: criteria provided, single submitter. Criteria: ACMG Guidelines, 2015. Collection method: clinical testing. Allele origin: unknown.

Blueprint Genetics
Classification: Uncertain significance. Last evaluated: 2023-12-07. Review status: criteria provided, single submitter. Criteria: ACMG Guidelines, 2015. Collection method: clinical testing. Allele origin: germline.

Myriad Genetics, Inc.
Classification: Uncertain significance for Familial cancer of breast. Last evaluated: 2023-03-02. Review status: criteria provided, single submitter. Criteria: Myriad Autosomal Dominant, Autosomal Recessive and X-Linked Classification Criteria (2023). Collection method: clinical testing. Allele origin: unknown.
Comment: This variant is classified as a variant of uncertain significance as there is insufficient evidence to determine its impact on protein function and/or cancer risk.

Fulgent Genetics
Classification: Uncertain significance for Familial cancer of breast; Fanconi anemia complementation group J. Last evaluated: 2022-05-04. Review status: criteria provided, single submitter. Criteria: ACMG Guidelines, 2015. Collection method: clinical testing. Allele origin: unknown.